The following is an entry in ClinVar:

NM_014915.3(ANKRD26):c.2104C>G (p.His702Asp)

Gene: ANKRD26 (ankyrin repeat domain 26; minus strand). Cytogenetic location: 10p12.1.
Variant type: single nucleotide variant.
Coding change: c.2104C>G on transcript NM_014915.3 (MANE Select); coding-DNA position 2104, C replaced by G.
Protein change: p.His702Asp; replaces histidine 702 with aspartic acid.
Molecular consequence: missense variant.
Genome position (GRCh38, 1-based): chr10:27,043,483, G>C on the plus strand (C>G on the coding strand, the complement: ANKRD26 is on the minus strand). VCF-style: chr10-27043483-G-C. GRCh37 (hg19) VCF-style: chr10-27332412-G-C.
Other names: c.2101C>G, p.His701Asp (NM_001256053.2); short protein forms H702D, H701D.
Identifiers: ClinVar variation 3124315 (VCV003124315.4), dbSNP rs775226234, ClinGen allele CA376368830.

ClinVar aggregate classification (germline): Uncertain significance. Review status: criteria provided, multiple submitters, no conflicts (2 of 4 stars). 2 submissions from 2 submitters: Uncertain significance (2). Last evaluated 2024-12-06.

Conditions:
Inborn genetic diseases. Identifiers: MedGen C0950123, MeSH D030342.

gnomAD v4.1: 2 of 1,613,932 alleles (0.00012%); highest among the groups gnomAD compares: African/African-American, 0.0013%; no homozygotes.

Submissions (2):

Ambry Genetics
Classification: Uncertain significance for Inborn genetic diseases. Last evaluated: 2024-12-06. Review status: criteria provided, single submitter. Criteria: Ambry Variant Classification Scheme 2023. Collection method: clinical testing. Allele origin: germline.
Comment: The p.H702D variant (also known as c.2104C>G), located in coding exon 20 of the ANKRD26 gene, results from a C to G substitution at nucleotide position 2104. The histidine at codon 702 is replaced by aspartic acid, an amino acid with similar properties. This amino acid position is conserved. In addition, this alteration is predicted to be tolerated by in silico analysis. Based on the available evidence, the clinical significance of this variant remains unclear.

Labcorp Genetics (formerly Invitae), Labcorp
Classification: Uncertain significance. Last evaluated: 2024-08-28. Review status: criteria provided, single submitter. Criteria: Invitae Variant Classification Sherloc (09022015). Collection method: clinical testing. Allele origin: germline.
Comment: This sequence change replaces histidine, which is basic and polar, with aspartic acid, which is acidic and polar, at codon 702 of the ANKRD26 protein (p.His702Asp). This variant is not present in population databases (gnomAD no frequency). This variant has not been reported in the literature in individuals affected with ANKRD26-related conditions. An algorithm developed to predict the effect of missense changes on protein structure and function (PolyPhen-2) suggests that this variant is likely to be tolerated. In summary, the available evidence is currently insufficient to determine the role of this variant in disease. Therefore, it has been classified as a Variant of Uncertain Significance.